The following is an entry in ClinVar:

ClinVar aggregate classification (germline): Likely pathogenic (1 of 4 stars; one submission).

Conditions:
Metaphyseal chondrodysplasia, McKusick type (CHH). Also called: Cartilage-hair hypoplasia; Cartilage-Hair Hypoplasia (CHH). Identifiers: Orphanet 175, MedGen C0220748, MONDO:0009595, OMIM 250250.

Submission:

Natera, Inc.
Classification: Likely pathogenic for Cartilage-hair hypoplasia. Last evaluated: 2025-02-27. Review status: criteria provided, single submitter. Criteria: Natera Variant Classification Schema (03/2026). Collection method: clinical testing. Allele origin: germline.
Comment: The n.-31_1dup variant in RMRP is a duplication affecting the RMRP promoter region between the TATA box and the transcription initiation site. Other duplications and insertions just upstream of the transcription initiation site have been reported in individuals affected with cartilage-hair hypoplasia (PMID: 11207361, 17937437). This variant is rare in the general population with a frequency below the threshold expected for the associated phenotype(s). Given the available evidence, this variant is classified as Likely pathogenic.

Literature cited by the submitters: PubMed 11207361; PubMed 17937437.

NR_003051.3(RMRP):n.-31_1dup

Gene: RMRP (RNA component of mitochondrial RNA processing endoribonuclease; minus strand). Cytogenetic location: 9p13.3.
Variant type: Duplication.
Genome position: GRCh38: chr9:35,658,018-35,658,049. GRCh37 (hg19): chr9:35,658,015-35,658,046.
Identifiers: ClinVar variation 4817180 (VCV004817180.1).